The following is an entry in ClinVar:

ClinVar aggregate classification (germline): Benign/Likely benign. Review status: criteria provided, multiple submitters, no conflicts (2 of 4 stars). 7 submissions from 7 submitters: Benign (3); Likely benign (3). 1 of the submissions does not count toward it. Last evaluated 2025-09-27.

Conditions:
XRCC2-related disorder. Also called: XRCC2-related condition.
Hereditary cancer-predisposing syndrome. Also called: Tumor predisposition; Hereditary Cancer Syndrome; Neoplastic Syndromes, Hereditary; Hereditary neoplastic syndrome. Identifiers: Orphanet 140162, MedGen C0027672, MeSH D009386, MONDO:0015356.

Allele frequency attached by ClinVar (database versions not stated): TOPMed 0.00020.

Submissions (7):

Labcorp Genetics (formerly Invitae), Labcorp
Classification: Benign. Last evaluated: 2025-09-27. Review status: criteria provided, single submitter. Criteria: Invitae Variant Classification Sherloc (09022015). Collection method: clinical testing. Allele origin: germline.

Quest Diagnostics Nichols Institute San Juan Capistrano
Classification: Benign. Last evaluated: 2025-09-12. Review status: criteria provided, single submitter. Criteria: Quest Diagnostics criteria. Collection method: clinical testing. Allele origin: unknown.

Blueprint Genetics
Classification: Likely benign. Last evaluated: 2024-03-25. Review status: criteria provided, single submitter. Criteria: ACMG Guidelines, 2015. Collection method: clinical testing. Allele origin: germline.

Sema4
Classification: Likely benign for Hereditary cancer-predisposing syndrome. Last evaluated: 2021-06-23. Review status: criteria provided, single submitter. Criteria: Sema4 Curation Guidelines. Collection method: curation. Allele origin: germline.

Ambry Genetics
Classification: Likely benign for Hereditary cancer-predisposing syndrome. Last evaluated: 2016-10-12. Review status: criteria provided, single submitter. Criteria: Ambry Variant Classification Scheme 2023. Collection method: clinical testing. Allele origin: germline.

GeneDx
Classification: Benign. Last evaluated: 2015-03-03. Review status: criteria provided, single submitter. Criteria: GeneDx Variant Classification Process June 2021. Collection method: clinical testing. Allele origin: germline. Affected: yes.

PreventionGenetics, part of Exact Sciences
Classification: Likely benign for XRCC2-related condition. Last evaluated: 2023-08-03. Review status: no assertion criteria provided. Collection method: clinical testing. Allele origin: germline. Not counted in ClinVar's aggregate classification.
Comment: This variant is classified as likely benign based on ACMG/AMP sequence variant interpretation guidelines (Richards et al. 2015 PMID: 25741868, with internal and published modifications).

NM_005431.2(XRCC2):c.825T>C (p.Ser275=)

Gene: XRCC2 (X-ray repair cross complementing 2; minus strand). Cytogenetic location: 7q36.1.
Variant type: single nucleotide variant.
Coding change: c.825T>C on transcript NM_005431.2 (MANE Select); coding-DNA position 825, T replaced by C.
Protein change: p.Ser275=; no amino-acid change (serine 275 retained).
Molecular consequence: synonymous variant.
Genome position (GRCh38, 1-based): chr7:152,648,660, A>G on the plus strand (T>C on the coding strand, the complement: XRCC2 is on the minus strand). VCF-style: chr7-152648660-A-G. GRCh37 (hg19) VCF-style: chr7-152345745-A-G.
Identifiers: ClinVar variation 486725 (VCV000486725.23), dbSNP rs770438650, ClinGen allele CA4582287.